The following is an entry in ClinVar:

ClinVar aggregate classification (germline): Uncertain significance (1 of 4 stars; one submission).

Allele frequency attached by ClinVar (database versions not stated): ExAC 0.00001; gnomAD 0.00001; TOPMed 0.00001; gnomAD exomes below 0.00001.
gnomAD v4.1: 2 of 1,613,112 alleles (0.00012%); highest among the groups gnomAD compares: East Asian, 0.0022%; no homozygotes.

Submission:

Labcorp Genetics (formerly Invitae), Labcorp
Classification: Uncertain significance. Last evaluated: 2024-11-05. Review status: criteria provided, single submitter. Criteria: Invitae Variant Classification Sherloc (09022015). Collection method: clinical testing. Allele origin: germline.
Comment: This sequence change replaces leucine, which is neutral and non-polar, with phenylalanine, which is neutral and non-polar, at codon 903 of the TMEM132E protein (p.Leu903Phe). This variant is present in population databases (rs759262791, gnomAD 0.006%). This variant has not been reported in the literature in individuals affected with TMEM132E-related conditions. ClinVar contains an entry for this variant (Variation ID: 1917134). Experimental studies and prediction algorithms are not available or were not evaluated, and the functional significance of this variant is currently unknown. In summary, the available evidence is currently insufficient to determine the role of this variant in disease. Therefore, it has been classified as a Variant of Uncertain Significance.

NM_001304438.2(TMEM132E):c.2707C>T (p.Leu903Phe)

Gene: TMEM132E (transmembrane protein 132E; plus strand). Cytogenetic location: 17q12.
Variant type: single nucleotide variant.
Coding change: c.2707C>T on transcript NM_001304438.2 (MANE Select); coding-DNA position 2707, C replaced by T.
Protein change: p.Leu903Phe; replaces leucine 903 with phenylalanine.
Molecular consequence: missense variant.
Genome position (GRCh38, 1-based): chr17:34,637,714, C>T. VCF-style: chr17-34637714-C-T. GRCh37 (hg19) VCF-style: chr17-32964733-C-T.
Other names: short protein forms L903F.
Identifiers: ClinVar variation 1917134 (VCV001917134.4), dbSNP rs759262791, ClinGen allele CA8497022.